The following is an entry in ClinVar:

NM_000540.3(RYR1):c.7672G>A (p.Val2558Met)

Gene: RYR1 (ryanodine receptor 1; plus strand). Cytogenetic location: 19q13.2.
Variant type: single nucleotide variant.
Coding change: c.7672G>A on transcript NM_000540.3 (MANE Select); coding-DNA position 7672, G replaced by A.
Protein change: p.Val2558Met; replaces valine 2558 with methionine.
Molecular consequence: missense variant.
Genome position (GRCh38, 1-based): chr19:38,502,564, G>A. VCF-style: chr19-38502564-G-A. GRCh37 (hg19) VCF-style: chr19-38993204-G-A.
Other names: c.7672G>A, p.Val2558Met (NM_001042723.2); short protein forms V2558M.
Identifiers: ClinVar variation 478275 (VCV000478275.20), dbSNP rs771523641, ClinGen allele CA069952.

ClinVar aggregate classification (germline): Conflicting classifications of pathogenicity. Review status: criteria provided, conflicting classifications (1 of 4 stars). 6 submissions from 6 submitters: Uncertain significance (4); Likely benign (2). Last evaluated 2026-03-01.

Conditions:
RYR1-related disorder. Also called: RYR1-related disorders; RYR1-related condition. Identifiers: MedGen CN239331.
Malignant hyperthermia, susceptibility to, 1 (MHS1). Also called: Malignant hyperthermia suceptibility 1; Anesthesia related hyperthermia; Malignant hyperpyrexia; Fulminating hyperpyrexia; Pharmacogenic myopathy; RYR1-Related Malignant Hyperthermia Susceptibility. Identifiers: Orphanet 423, MedGen C2930980, MONDO:0007783, OMIM 145600.

Allele frequency attached by ClinVar (database versions not stated): ExAC 0.00005; gnomAD 0.00012 and 0.00013; TOPMed 0.00019.
gnomAD v4.1: 107 of 1,611,738 alleles (0.0066%); highest among the groups gnomAD compares: Admixed American, 0.07%; no homozygotes.

Submissions (6):

CeGaT Center for Human Genetics Tuebingen
Classification: Uncertain significance. Last evaluated: 2026-03-01. Review status: criteria provided, single submitter. Criteria: CeGaT Center For Human Genetics Tuebingen Variant Classification Criteria Version 2. Collection method: clinical testing. Allele origin: germline. Affected: yes. Observed: 1 variant allele.

Labcorp Genetics (formerly Invitae), Labcorp
Classification: Likely benign for RYR1-related disorder. Last evaluated: 2025-12-23. Review status: criteria provided, single submitter. Criteria: Invitae Variant Classification Sherloc (09022015). Collection method: clinical testing. Allele origin: germline.

All of Us Research Program, National Institutes of Health
Classification: Uncertain significance for Malignant hyperthermia, susceptibility to, 1. Last evaluated: 2024-08-29. Review status: criteria provided, single submitter. Criteria: ACMG Guidelines, 2015. Collection method: clinical testing. Allele origin: germline. Inheritance: Autosomal dominant inheritance. Observed: 22 variant alleles, 22 heterozygotes.
Comment: This missense variant replaces valine with methionine at codon 2558 of the RYR1 protein. Computational prediction is inconclusive regarding the impact of this variant on protein structure and function (internally defined REVEL score threshold 0.5 < inconclusive < 0.7, PMID: 27666373). To our knowledge, functional studies have not been reported for this variant. This variant has not been reported in individuals affected with RYR1-related disorders in the literature. This variant has been identified in 30/249608 chromosomes in the general population by the Genome Aggregation Database (gnomAD). The available evidence is insufficient to determine the role of this variant in disease conclusively. Therefore, this variant is classified as a Variant of Uncertain Significance.

This study involves interpretation of variants in research participants for the purpose of population health screening. Participant phenotype was not available at the time of variant classification. Additional details can be found in publication PMID: 35346344, PMCID: PMC8962531

Color Diagnostics, LLC DBA Color Health
Classification: Uncertain significance for Malignant hyperthermia, susceptibility to, 1. Last evaluated: 2024-03-28. Review status: criteria provided, single submitter. Criteria: ACMG Guidelines, 2015. Collection method: clinical testing. Allele origin: germline.
Comment: This missense variant replaces valine with methionine at codon 2558 of the RYR1 protein. Computational prediction is inconclusive regarding the impact of this variant on protein structure and function. To our knowledge, functional studies have not been reported for this variant. This variant has not been reported in individuals affected with RYR1-related disorders in the literature. This variant has been identified in 30/249608 chromosomes in the general population by the Genome Aggregation Database (gnomAD). The available evidence is insufficient to determine the role of this variant in disease conclusively. Therefore, this variant is classified as a Variant of Uncertain Significance.

Revvity Omics, Revvity
Classification: Uncertain significance. Last evaluated: 2021-02-19. Review status: criteria provided, single submitter. Criteria: ACMG Guidelines, 2015. Collection method: clinical testing. Allele origin: germline.

Breakthrough Genomics
Classification: Likely benign. Review status: criteria provided, single submitter. Criteria: ACMG Guidelines, 2015. Collection method: not provided. Allele origin: germline. Inheritance: Autosomal recessive inheritance. Affected: yes.